The following is an entry in ClinVar:

ClinVar aggregate classification (germline): Likely benign (1 of 4 stars; one submission).

gnomAD v4.1: 52 of 1,028,630 alleles (0.0051%); highest among the groups gnomAD compares: South Asian, 0.18%; 1 homozygote.

Submission:

CeGaT Center for Human Genetics Tuebingen
Classification: Likely benign. Last evaluated: 2026-09-01. Review status: criteria provided, single submitter. Criteria: CeGaT Center For Human Genetics Tuebingen Variant Classification Criteria Version 2. Collection method: clinical testing. Allele origin: germline. Affected: yes. Observed: 1 variant allele.
Comment: STOX1: BP4, BP7

NM_152709.5(STOX1):c.60G>A (p.Glu20=)

Genes: STOX1 (storkhead box 1; plus strand), LOC130003952 (ATAC-STARR-seq lymphoblastoid silent region 2422; plus strand). Cytogenetic location: 10q22.1.
Variant type: single nucleotide variant.
Coding change: c.60G>A on transcript NM_152709.5 (MANE Select); coding-DNA position 60, G replaced by A.
Protein change: p.Glu20=; no amino-acid change (glutamic acid 20 retained).
Molecular consequence: synonymous variant.
Genome position (GRCh38, 1-based): chr10:68,827,683, G>A. VCF-style: chr10-68827683-G-A. GRCh37 (hg19) VCF-style: chr10-70587440-G-A.
Other names: c.60G>A, p.Glu20= (NM_001130159.3, NM_001130160.3, NM_001130161.4).
Identifiers: ClinVar variation 5041071 (VCV005041071.1).
Genomic context (GRCh38, chr10:68,827,683, plus strand): 5'-CATGGCCCGGCCCGTGCAGCTGGCGCCGGGCTCGCTGGCGCTAGTGCTGTGCCGGCTGGA[G>A]GCGCAGAAGGCGGCGGGGGCCGCGGAGGAGCCTGGTGGGCGCGCGGTGTTCCGCGCTTTC-3'
Protein context (NP_689922.3, residues 10-30): GSLALVLCRL[Glu20=]AQKAAGAAEE